The following is an entry in ClinVar:

NM_001005242.3(PKP2):c.1116T>G (p.Ala372=)

Gene: PKP2 (plakophilin 2; minus strand). Cytogenetic location: 12p11.21.
Variant type: single nucleotide variant.
Coding change: c.1116T>G on transcript NM_001005242.3 (MANE Select); coding-DNA position 1116, T replaced by G.
Protein change: p.Ala372=; no amino-acid change (alanine 372 retained).
Molecular consequence: synonymous variant.
Genome position (GRCh38, 1-based): chr12:32,868,981, A>C on the plus strand (T>G on the coding strand, the complement: PKP2 is on the minus strand). VCF-style: chr12-32868981-A-C. GRCh37 (hg19) VCF-style: chr12-33021915-A-C.
Other names: c.1116T>G, p.Ala372= (NM_001407155.1, NM_001407156.1, NM_001407157.1 and 2 more transcripts); c.789T>G, p.Ala263= (NM_001407158.1, NM_001407159.1, NM_001407162.1 and 1 more transcripts).
Identifiers: ClinVar variation 3073672 (VCV003073672.1), dbSNP rs142742483, ClinGen allele CA479174573.

ClinVar aggregate classification (germline): Likely benign (1 of 4 stars; one submission).

Conditions:
Arrhythmogenic right ventricular cardiomyopathy (ARVD). Also called: Arrhythmogenic right ventricular dysplasia; Cardiomyopathy, ARVC; Arrhythmogenic cardiomyopathy; Arrhythmogenic Right Ventricular Cardiomyopathy (ARVC). Identifiers: Orphanet 247, MedGen C0349788, MeSH D019571, MONDO:0016587. Disease mechanism: loss of function. Inheritance: Various modes of inheritance.

gnomAD v4.1: 1 of 1,613,998 alleles (0.000062%); highest among the groups gnomAD compares: Non-Finnish European, 0.000085%; no homozygotes.

Submission:

All of Us Research Program, National Institutes of Health
Classification: Likely benign for Arrhythmogenic right ventricular cardiomyopathy. Last evaluated: 2023-10-06. Review status: criteria provided, single submitter. Criteria: ACMG Guidelines, 2015. Collection method: clinical testing. Allele origin: germline. Inheritance: Autosomal dominant inheritance. Observed: 1 variant allele, 1 heterozygote.
Comment: This study involves interpretation of variants in research participants for the purpose of population health screening. Participant phenotype was not available at the time of variant classification. Additional details can be found in publication PMID: 35346344, PMCID: PMC8962531